The following is an entry in ClinVar:

ClinVar aggregate classification (germline): Uncertain significance (1 of 4 stars; one submission).

Submission:

CeGaT Center for Human Genetics Tuebingen
Classification: Uncertain significance. Last evaluated: 2023-10-01. Review status: criteria provided, single submitter. Criteria: CeGaT Center For Human Genetics Tuebingen Variant Classification Criteria Version 2. Collection method: clinical testing. Allele origin: germline. Affected: yes. Observed: 1 variant allele.
Comment: FIG4: PM2

NM_014845.6(FIG4):c.964G>T (p.Val322Leu)

Gene: FIG4 (FIG4 phosphoinositide 5-phosphatase; plus strand). Cytogenetic location: 6q21.
Variant type: single nucleotide variant.
Coding change: c.964G>T on transcript NM_014845.6 (MANE Select); coding-DNA position 964, G replaced by T.
Protein change: p.Val322Leu; replaces valine 322 with leucine.
Molecular consequence: missense variant.
Genome position (GRCh38, 1-based): chr6:109,743,197, G>T. VCF-style: chr6-109743197-G-T. GRCh37 (hg19) VCF-style: chr6-110064400-G-T.
Other names: short protein forms V322L.
Identifiers: ClinVar variation 2656836 (VCV002656836.24), dbSNP rs2486136196, ClinGen allele CA365221862.